The following is an entry in ClinVar:

ClinVar aggregate classification (germline): Uncertain significance. Review status: criteria provided, multiple submitters, no conflicts (2 of 4 stars). 2 submissions from 2 submitters: Uncertain significance (2). Last evaluated 2024-08-08.

Conditions:
Telangiectasia, hereditary hemorrhagic, type 5 (HHT5). Identifiers: Orphanet 774, MedGen C3809710, MONDO:0014217, OMIM 615506.

Allele frequency attached by ClinVar (database versions not stated): TOPMed below 0.00001.

Submissions (2):

GeneDx
Classification: Uncertain significance. Last evaluated: 2024-08-08. Review status: criteria provided, single submitter. Criteria: GeneDx Variant Classification Process June 2021. Collection method: clinical testing. Allele origin: germline. Affected: yes.
Comment: Not observed at significant frequency in large population cohorts (gnomAD); Has not been previously published as pathogenic or benign to our knowledge; In silico analysis does not support a benign or deleterious effect of this variant on protein structure/function

Labcorp Genetics (formerly Invitae), Labcorp
Classification: Uncertain significance for Telangiectasia, hereditary hemorrhagic, type 5. Last evaluated: 2021-11-30. Review status: criteria provided, single submitter. Criteria: Invitae Variant Classification Sherloc (09022015). Collection method: clinical testing. Allele origin: germline.
Comment: This sequence change replaces proline, which is neutral and non-polar, with leucine, which is neutral and non-polar, at codon 140 of the GDF2 protein (p.Pro140Leu). This variant is not present in population databases (gnomAD no frequency). This variant has not been reported in the literature in individuals affected with GDF2-related conditions. Algorithms developed to predict the effect of missense changes on protein structure and function (SIFT, PolyPhen-2, Align-GVGD) all suggest that this variant is likely to be disruptive. In summary, the available evidence is currently insufficient to determine the role of this variant in disease. Therefore, it has been classified as a Variant of Uncertain Significance.

NM_016204.4(GDF2):c.419C>T (p.Pro140Leu)

Gene: GDF2 (growth differentiation factor 2; plus strand). Cytogenetic location: 10q11.22.
Variant type: single nucleotide variant.
Coding change: c.419C>T on transcript NM_016204.4 (MANE Select); coding-DNA position 419, C replaced by T.
Protein change: p.Pro140Leu; replaces proline 140 with leucine.
Molecular consequence: missense variant.
Genome position (GRCh38, 1-based): chr10:47,324,913, C>T. VCF-style: chr10-47324913-C-T. GRCh37 (hg19) VCF-style: chr10-48414449-G-A.
Other names: short protein forms P140L.
Identifiers: ClinVar variation 1395759 (VCV001395759.2), dbSNP rs2061098704, ClinGen allele CA376654139.